The following is an entry in ClinVar:

NM_001384140.1(PCDH15):c.3082del (p.His1028fs)

Gene: PCDH15 (protocadherin related 15; minus strand). Cytogenetic location: 10q21.1.
Variant type: Deletion.
Coding change: c.3082del on transcript NM_001384140.1 (MANE Select); coding-DNA position 3082, one base deleted (C; older notation c.3082delC).
Protein change: p.His1028fs; shifts the reading frame from histidine 1028.
Molecular consequence: frameshift variant.
Genome position (GRCh38, 1-based): chr10:53,959,772, G deleted on the plus strand (C on the coding strand, the reverse complement: PCDH15 is on the minus strand). VCF-style (leftmost placement, unchanged base first): chr10-53959771-TG-T. GRCh37 (hg19) VCF-style: chr10-55719531-TG-T.
Other names: c.3097del, p.His1033fs (NM_001142763.2, NM_001142771.2); c.3082del, p.His1028fs (NM_001142764.2, NM_001142766.2, NM_001142770.3 and 4 more transcripts); c.2869del, p.His957fs (NM_001142765.2); c.2971del, p.His991fs (NM_001142767.2); c.3016del, p.His1006fs (NM_001142768.2, NM_001142773.2, NM_001354404.2); c.3118delC, p.His1040Ilefs (NM_001142769.4); c.3103del, p.His1035fs (NM_001354411.2); short protein forms H1006fs, H1028fs, H1033fs, H957fs, H991fs, H1035fs, H1040fs.
Identifiers: ClinVar variation 371507 (VCV000371507.32), dbSNP rs1057517325, ClinGen allele CA16041365.

ClinVar aggregate classification (germline): Pathogenic. Review status: criteria provided, single submitter (1 of 4 stars). 2 submissions from 2 submitters: Pathogenic (1). 1 of the submissions does not count toward it. Last evaluated 2022-11-01.

Conditions:
Usher syndrome type 1F (USH1F). Also called: USHER SYNDROME, TYPE IF. Identifiers: Orphanet 231169, Orphanet 886, MedGen C1865885, MONDO:0011186, OMIM 602083.

Submissions (2):

CeGaT Center for Human Genetics Tuebingen
Classification: Pathogenic. Last evaluated: 2022-11-01. Review status: criteria provided, single submitter. Criteria: CeGaT Center For Human Genetics Tuebingen Variant Classification Criteria Version 2. Collection method: clinical testing. Allele origin: germline. Affected: yes. Observed: 1 variant allele.
Comment: PCDH15: PVS1, PM2, PM3

Counsyl
Classification: Likely pathogenic for Usher syndrome type 1F. Last evaluated: 2016-10-05. Review status: no assertion criteria provided. Collection method: clinical testing. Allele origin: unknown. Not counted in ClinVar's aggregate classification.